The following is an entry in ClinVar:

NC_000011.9:g.(?_76872031)_(76873712_?)del

Gene: MYO7A (myosin VIIA; plus strand). Cytogenetic location: 11q13.5.
Variant type: Deletion.
Identifiers: ClinVar variation 3244720 (VCV003244720.1).

ClinVar aggregate classification (germline): Pathogenic (1 of 4 stars; one submission).

Submission:

Labcorp Genetics (formerly Invitae), Labcorp
Classification: Pathogenic. Last evaluated: 2023-09-14. Review status: criteria provided, single submitter. Criteria: Invitae Variant Classification Sherloc (09022015). Collection method: clinical testing. Allele origin: unknown.
Comment: This variant results in the deletion of exon 13 and part of exon 12 (c.1213_1555-187del) of the MYO7A gene. It is expected to disrupt RNA splicing. Variants that disrupt the donor or acceptor splice site typically lead to a loss of protein function (PMID: 16199547), and loss-of-function variants in MYO7A are known to be pathogenic (PMID: 8900236, 25404053). This variant has not been reported in the literature in individuals affected with MYO7A-related conditions. This variant disrupts a region of the MYO7A protein in which other variant(s) (p.Leu406Pro) have been determined to be pathogenic (Invitae). This suggests that this is a clinically significant region of the protein, and that variants that disrupt it are likely to be disease-causing. For these reasons, this variant has been classified as Pathogenic.

Literature cited by the submitters: PubMed 16199547; PubMed 8900236; PubMed 25404053.